The following is an entry in ClinVar:

ClinVar aggregate classification (germline): Uncertain significance (1 of 4 stars; one submission).

Conditions:
Cardiomyopathy (CMYO). Also called: Cardiomyopathies. Identifiers: Orphanet 167848, MedGen C0878544, MONDO:0004994, HP:0001638. Inheritance: Various modes of inheritance.

Submission:

All of Us Research Program, National Institutes of Health
Classification: Uncertain significance for Cardiomyopathy. Last evaluated: 2023-12-13. Review status: criteria provided, single submitter. Criteria: ACMG Guidelines, 2015. Collection method: clinical testing. Allele origin: germline. Inheritance: Autosomal dominant inheritance. Observed: 1 variant allele, 1 heterozygote.
Comment: This variant deletes two nucleotides in intron 25 of the MYH7 gene. To our knowledge, functional studies have not been reported for this variant. This variant has not been reported in individuals affected with MYH7-related disorders in the literature. This variant has not been identified in the general population by the Genome Aggregation Database (gnomAD). The available evidence is insufficient to determine the role of this variant in disease conclusively. Therefore, this variant is classified as a Variant of Uncertain Significance.

This study involves interpretation of variants in research participants for the purpose of population health screening. Participant phenotype was not available at the time of variant classification. Additional details can be found in publication PMID: 35346344, PMCID: PMC8962531

NM_000257.4(MYH7):c.3245+4_3245+5del

Gene: MYH7 (myosin heavy chain 7; minus strand). Cytogenetic location: 14q11.2.
Variant type: Deletion.
Coding change: c.3245+4_3245+5del on transcript NM_000257.4 (MANE Select); bases 4 to 5 of the intron after coding-DNA position 3245, 2 bases deleted (CT; older notation c.3245+4_3245+5delCT).
Molecular consequence: intron variant.
Genome position (GRCh38, 1-based): chr14:23,422,175-23,422,176, AG deleted on the plus strand (CT on the coding strand, the reverse complement: MYH7 is on the minus strand). VCF-style (leftmost placement, unchanged base first): chr14-23422174-CAG-C. GRCh37 (hg19) VCF-style: chr14-23891383-CAG-C.
Other names: c.3245+4_3245+5del (NM_001407004.1).
Identifiers: ClinVar variation 3074899 (VCV003074899.1), dbSNP rs2502272071, ClinGen allele CA2825002219.